The following is an entry in ClinVar:

ClinVar aggregate classification (germline): Likely benign. Review status: criteria provided, single submitter (1 of 4 stars). 2 submissions from 2 submitters: Likely benign (1). 1 of the submissions does not count toward it. Last evaluated 2025-01-06.

Conditions:
MUTYH-related disorder. Also called: MUTYH-related condition; MUTYH-related disorders.
Familial adenomatous polyposis 2. Also called: MUTYH Polyposis; MYH-associated polyposis; COLORECTAL ADENOMATOUS POLYPOSIS, AUTOSOMAL RECESSIVE; ADENOMAS, MULTIPLE COLORECTAL, AUTOSOMAL RECESSIVE; MUTYH-related attenuated familial adenomatous polyposis; FAP type 2. Identifiers: Orphanet 220460, Orphanet 247798, MedGen C3272841, MONDO:0012041, OMIM 608456.

Allele frequency attached by ClinVar (database versions not stated): gnomAD 0.00001; 1000 Genomes Project 30x 0.00016; 1000 Genomes Project 0.00020; gnomAD exomes below 0.00001; ExAC 0.00001.
gnomAD v4.1: 2 of 1,614,156 alleles (0.00012%); highest among the groups gnomAD compares: African/African-American, 0.0027%; no homozygotes.

Submissions (2):

Labcorp Genetics (formerly Invitae), Labcorp
Classification: Likely benign for Familial adenomatous polyposis 2. Last evaluated: 2025-01-06. Review status: criteria provided, single submitter. Criteria: Invitae Variant Classification Sherloc (09022015). Collection method: clinical testing. Allele origin: germline.

PreventionGenetics, part of Exact Sciences
Classification: Likely benign for MUTYH-related condition. Last evaluated: 2024-04-12. Review status: no assertion criteria provided. Collection method: clinical testing. Allele origin: germline. Not counted in ClinVar's aggregate classification.
Comment: This variant is classified as likely benign based on ACMG/AMP sequence variant interpretation guidelines (Richards et al. 2015 PMID: 25741868, with internal and published modifications).

NM_001048174.2(MUTYH):c.305-8T>C

Gene: MUTYH (mutY DNA glycosylase; minus strand). Cytogenetic location: 1p34.1.
Variant type: single nucleotide variant.
Coding change: c.305-8T>C on transcript NM_001048174.2 (MANE Select); 8 bases into the intron before coding-DNA position 305, T replaced by C.
Molecular consequence: intron variant.
Genome position (GRCh38, 1-based): chr1:45,333,178, A>G on the plus strand (T>C on the coding strand, the complement: MUTYH is on the minus strand). VCF-style: chr1-45333178-A-G. GRCh37 (hg19) VCF-style: chr1-45798850-A-G.
Other names: c.33+107T>C (NM_001350651.2, NM_001350650.2); c.29-8T>C (NM_001293192.2, NM_001293196.2); c.305-8T>C (NM_001048171.2, NM_001048173.2, NM_001293195.2); c.350-8T>C (NM_001293190.2); c.380-8T>C (NM_012222.3); c.389-8T>C (NM_001128425.2, NM_001128425.1); c.308-8T>C (NM_001048172.2); c.338-8T>C (NM_001293191.2).
Identifiers: ClinVar variation 1093194 (VCV001093194.10), dbSNP rs549410558, ClinGen allele CA057704.
Genomic context (GRCh38, chr1:45,333,178, plus strand): 5'-GTTGATCACAGTGGCAACCTGGGTCTGCTGCAGCATGACCTCTGAGACCCACACTGGGGG[A>G]AAGGGGTTGGCATGAGGACACTGCTGACCTGCCCCTACCTGGCCCACAGCCCCCAGACCC-3'